The following is an entry in ClinVar:

ClinVar aggregate classification (germline): Likely pathogenic. Review status: criteria provided, multiple submitters, no conflicts (2 of 4 stars). 2 submissions from 2 submitters: Likely pathogenic (2). Last evaluated 2024-05-16.

Conditions:
Cardiovascular phenotype. Identifiers: MedGen CN230736.
Dilated cardiomyopathy 1G (CMD1G). Identifiers: Orphanet 154, MedGen C1858763, MONDO:0011400, OMIM 604145.
Autosomal recessive limb-girdle muscular dystrophy type 2J (LGMDR10). Also called: Limb-girdle muscular dystrophy, type 2J; MUSCULAR DYSTROPHY, LIMB-GIRDLE, AUTOSOMAL RECESSIVE 10. Identifiers: Orphanet 140922, MedGen C1837342, MONDO:0012127, OMIM 608807.

Submissions (2):

Labcorp Genetics (formerly Invitae), Labcorp
Classification: Likely pathogenic for Dilated cardiomyopathy 1G; Autosomal recessive limb-girdle muscular dystrophy type 2J. Last evaluated: 2024-05-16. Review status: criteria provided, single submitter. Criteria: Invitae Variant Classification Sherloc (09022015). Collection method: clinical testing. Allele origin: germline.
Comment: This sequence change creates a premature translational stop signal (p.Gly24044Lysfs*32) in the TTN gene. While this is not anticipated to result in nonsense mediated decay, it is expected to create a truncated TTN protein. This variant is not present in population databases (gnomAD no frequency). This variant has not been reported in the literature in individuals affected with TTN-related conditions. ClinVar contains an entry for this variant (Variation ID: 1515108). This variant is located in the A band of TTN (PMID: 25589632). Truncating variants in this region are significantly overrepresented in patients affected with dilated cardiomyopathy (PMID: 25589632). Truncating variants in this region have also been reported in individuals affected with autosomal recessive centronuclear myopathy (PMID: 23975875). In summary, the currently available evidence indicates that the variant is pathogenic, but additional data are needed to prove that conclusively. Therefore, this variant has been classified as Likely Pathogenic.

Ambry Genetics
Classification: Likely pathogenic for Cardiovascular phenotype. Last evaluated: 2023-01-06. Review status: criteria provided, single submitter. Criteria: Ambry Variant Classification Scheme 2023. Collection method: clinical testing. Allele origin: germline.
Comment: The c.44935_44938delGGTG variant, located in coding exon 153 of the TTN gene, results from a deletion of 4 nucleotides at nucleotide positions 44935 to 44938, causing a translational frameshift with a predicted alternate stop codon (p.G14979Kfs*32). This exon is located in the A-band region of the N2-B isoform of the titin protein and is constitutively expressed in TTN transcripts (percent spliced in or PSI 100%). This variant is considered to be rare based on population cohorts in the Genome Aggregation Database (gnomAD). This alteration is expected to result in loss of function by premature protein truncation or nonsense-mediated mRNA decay. While truncating variants in TTN are present in 1-3% of the general population, truncating variants in the A-band are the most common cause of dilated cardiomyopathy (DCM) (Herman DS et al. N. Engl. J. Med., 2012 Feb;366:619-28; Roberts AM et al. Sci Transl Med, 2015 Jan;7:270ra6). TTN truncating variants encoded in constitutive exons (PSI >90%) have been found to be significantly associated with DCM regardless of their position in titin (Schafer S et al. Nat. Genet., 2017 01;49:46-53). Based on the majority of available evidence to date, this variant is likely to be pathogenic.

Literature cited by the submitters: PubMed 25589632 (cited by Labcorp Genetics (formerly Invitae), Labcorp); PubMed 23975875 (cited by Labcorp Genetics (formerly Invitae), Labcorp).

NM_001267550.2(TTN):c.72130_72133del (p.Gly24044fs)

Genes: TTN (titin; minus strand), TTN-AS1 (TTN antisense RNA 1; plus strand). Cytogenetic location: 2q31.2.
Variant type: Deletion.
Coding change: c.72130_72133del on transcript NM_001267550.2 (MANE Select); coding-DNA positions 72130 to 72133, 4 bases deleted (GGTG; older notation c.72130_72133delGGTG).
Protein change: p.Gly24044fs; shifts the reading frame from glycine 24044.
Molecular consequence: frameshift variant.
Genome position (GRCh38, 1-based): chr2:178,573,999-178,574,002, CACC deleted on the plus strand (GGTG on the coding strand, the reverse complement: TTN is on the minus strand). VCF-style (leftmost placement, unchanged base first): chr2-178573998-TCACC-T. GRCh37 (hg19) VCF-style: chr2-179438725-TCACC-T.
Other names: c.44935_44938delGGTG (NM_003319.4); c.67207_67210del, p.Gly22403fs (NM_001256850.1); c.44935_44938del, p.Gly14979fs (NM_003319.4); c.64426_64429del, p.Gly21476fs (NM_133378.4); c.45310_45313del, p.Gly15104fs (NM_133432.3); c.45511_45514del, p.Gly15171fs (NM_133437.4); short protein forms G22403fs, G24044fs, G15171fs, G21476fs, G14979fs, G15104fs.
Identifiers: ClinVar variation 1515108 (VCV001515108.9), dbSNP rs2154171220, ClinGen allele CA2573134313.
Genomic context (GRCh38, chr2:178,573,998, plus strand): 5'-TTGCTCCATTCCATTGTTGGAGGTGGGCGGCCTGAAACATCAGCTTCCAGTCTGAATGCT[TCACC>T]TGCTTTTAATATAACCGTGTCCTTAAATTTAACATCCACCTTTATCTTTGGTGCCTCAAC-3'